The following is an entry in ClinVar:

NM_005896.4(IDH1):c.565A>G (p.Ile189Val)

Gene: IDH1 (isocitrate dehydrogenase (NADP(+)) 1; minus strand). Cytogenetic location: 2q34.
Variant type: single nucleotide variant.
Coding change: c.565A>G on transcript NM_005896.4 (MANE Select); coding-DNA position 565, A replaced by G.
Protein change: p.Ile189Val; replaces isoleucine 189 with valine.
Molecular consequence: missense variant.
Genome position (GRCh38, 1-based): chr2:208,243,560, T>C on the plus strand (A>G on the coding strand, the complement: IDH1 is on the minus strand). VCF-style: chr2-208243560-T-C. GRCh37 (hg19) VCF-style: chr2-209108284-T-C.
Other names: c.565A>G, p.Ile189Val (NM_001282386.1, NM_001282387.1); short protein forms I189V.
Identifiers: ClinVar variation 134518 (VCV000134518.2), dbSNP rs62193615, ClinGen allele CA160049.

ClinVar aggregate classification (germline): Likely pathogenic. Review status: criteria provided, single submitter (1 of 4 stars). 2 submissions from 2 submitters: Likely pathogenic (1). 1 of the submissions does not count toward it.

Conditions:
Enchondromatosis. Also called: ENCHONDROMATOSIS, MULTIPLE, OLLIER TYPE; Ollier disease; Multiple cartilaginous enchondroses; Multiple enchondromatosis; DYSCHONDROPLASIA. Identifiers: Orphanet 296, MedGen C0014084, MONDO:0008145, OMIM 166000, HP:0005701.

Allele frequency attached by ClinVar (database versions not stated): ESP Exome Variant Server 0.00008; TOPMed 0.00016; gnomAD 0.00032 and 0.00034; ExAC 0.00035; gnomAD exomes 0.00035.
gnomAD v4.1: 632 of 1,613,938 alleles (0.039%); highest among the groups gnomAD compares: Non-Finnish European, 0.043%; 1 homozygote.

Submissions (2):

Baylor-Hopkins Center for Mendelian Genomics, Johns Hopkins University School of Medicine
Classification: Likely pathogenic for Enchondromatosis. Review status: criteria provided, single submitter. Criteria: ACMG Guidelines, 2015. Collection method: research. Allele origin: maternal. Affected: yes. Observed: 1 heterozygote.

ITMI
No classification provided. Condition: AllHighlyPenetrant. Last evaluated: 2013-09-19. Review status: no classification provided. Collection method: reference population. Allele origin: germline. Not counted in ClinVar's aggregate classification.
Comment: Please see associated publication for description of ethnicities

Literature cited by the submitters: PubMed 24728327 (cited by ITMI).